The following is an entry in ClinVar:

NM_000059.4(BRCA2):c.7136G>T (p.Gly2379Val)

Gene: BRCA2 (BRCA2 DNA repair associated; plus strand). Cytogenetic location: 13q13.1.
Variant type: single nucleotide variant.
Coding change: c.7136G>T on transcript NM_000059.4 (MANE Select); coding-DNA position 7136, G replaced by T.
Protein change: p.Gly2379Val; replaces glycine 2379 with valine.
Molecular consequence: missense variant.
Genome position (GRCh38, 1-based): chr13:32,354,989, G>T. VCF-style: chr13-32354989-G-T. GRCh37 (hg19) VCF-style: chr13-32929126-G-T.
Other names: short protein forms G2379V.
Identifiers: ClinVar variation 441473 (VCV000441473.5), dbSNP rs1555286016, ClinGen allele CA387738908.
Genomic context (GRCh38, chr13:32,354,989, plus strand): 5'-AATCTCATTTGTATGAACATCTGACTTTGGAAAAATCTTCAAGCAATTTAGCAGTTTCAG[G>T]ACATCCATTTTATCAAGTTTCTGCTACAAGAAATGAAAAAATGAGACACTTGATTACTAC-3'
Protein context (NP_000050.3, residues 2369-2389): EKSSSNLAVS[Gly2379Val]HPFYQVSATR

ClinVar aggregate classification (germline): Uncertain significance (1 of 4 stars; one submission).

Conditions:
Hereditary cancer-predisposing syndrome. Also called: Hereditary Cancer Syndrome; Hereditary neoplastic syndrome; Neoplastic Syndromes, Hereditary; Tumor predisposition. Identifiers: Orphanet 140162, MedGen C0027672, MeSH D009386, MONDO:0015356.

Submission:

Ambry Genetics
Classification: Uncertain significance for Hereditary cancer-predisposing syndrome. Last evaluated: 2016-04-08. Review status: criteria provided, single submitter. Criteria: Ambry Variant Classification Scheme 2023. Collection method: clinical testing. Allele origin: germline.
Comment: The p.G2379V variant (also known as c.7136G>T), located in coding exon 13 of the BRCA2 gene, results from a G to T substitution at nucleotide position 7136. The glycine at codon 2379 is replaced by valine, an amino acid with dissimilar properties. This variant was not reported in population based cohorts in the following databases: Database of Single Nucleotide Polymorphisms (dbSNP), NHLBI Exome Sequencing Project (ESP), and 1000 Genomes Project. In the ESP, this variant was not observed in 6503 samples (13006 alleles) with coverage at this position. To date, this alteration has been detected with an allele frequency of approximately 0.0004% (greater than 225000 alleles tested) in our clinical cohort. This amino acid position is not well conserved in available vertebrate species. In addition, this alteration is predicted to be tolerated by in silico analysis. Since supporting evidence is limited at this time, the clinical significance of this alteration remains unclear.